The following is an entry in ClinVar:

ClinVar aggregate classification (germline): Uncertain significance (1 of 4 stars; one submission).

Submission:

CeGaT Center for Human Genetics Tuebingen
Classification: Uncertain significance. Last evaluated: 2026-09-01. Review status: criteria provided, single submitter. Criteria: CeGaT Center For Human Genetics Tuebingen Variant Classification Criteria Version 2. Collection method: clinical testing. Allele origin: germline. Affected: yes. Observed: 1 variant allele.
Comment: GANAB: PM2, BP4

NM_198334.3(GANAB):c.16G>T (p.Ala6Ser)

Gene: GANAB (glucosidase II alpha subunit; minus strand). Cytogenetic location: 11q12.3.
Variant type: single nucleotide variant.
Coding change: c.16G>T on transcript NM_198334.3 (MANE Select); coding-DNA position 16, G replaced by T.
Protein change: p.Ala6Ser; replaces alanine 6 with serine.
Molecular consequence: missense variant. On other transcripts: 5 prime UTR variant (3).
Genome position (GRCh38, 1-based): chr11:62,646,584, C>A on the plus strand (G>T on the coding strand, the complement: GANAB is on the minus strand). VCF-style: chr11-62646584-C-A. GRCh37 (hg19) VCF-style: chr11-62414056-C-A.
Other names: c.16G>T, p.Ala6Ser (NM_001278192.2, NM_001278193.2, NM_198335.4); c.-167G>T (NM_001278194.2); c.-272G>T (NM_001329223.2); c.-761G>T (NM_001329225.2); short protein forms A6S.
Identifiers: ClinVar variation 5041546 (VCV005041546.1).